The following is an entry in ClinVar:

ClinVar aggregate classification (germline): Uncertain significance (1 of 4 stars; one submission).

Submission:

Labcorp Genetics (formerly Invitae), Labcorp
Classification: Uncertain significance. Last evaluated: 2023-06-22. Review status: criteria provided, single submitter. Criteria: Invitae Variant Classification Sherloc (09022015). Collection method: clinical testing. Allele origin: germline.
Comment: This sequence change replaces aspartic acid, which is acidic and polar, with asparagine, which is neutral and polar, at codon 2031 of the CACNA1E protein (p.Asp2031Asn). This variant is not present in population databases (gnomAD no frequency). This variant has not been reported in the literature in individuals affected with CACNA1E-related conditions. Advanced modeling of protein sequence and biophysical properties (such as structural, functional, and spatial information, amino acid conservation, physicochemical variation, residue mobility, and thermodynamic stability) performed at Invitae indicates that this missense variant is not expected to disrupt CACNA1E protein function. In summary, the available evidence is currently insufficient to determine the role of this variant in disease. Therefore, it has been classified as a Variant of Uncertain Significance.

NM_001205293.3(CACNA1E):c.6220G>A (p.Asp2074Asn)

Gene: CACNA1E (calcium voltage-gated channel subunit alpha1 E; plus strand). Cytogenetic location: 1q25.3.
Variant type: single nucleotide variant.
Coding change: c.6220G>A on transcript NM_001205293.3 (MANE Select); coding-DNA position 6220, G replaced by A.
Protein change: p.Asp2074Asn; replaces aspartic acid 2074 with asparagine.
Molecular consequence: missense variant.
Genome position (GRCh38, 1-based): chr1:181,796,679, G>A. VCF-style: chr1-181796679-G-A. GRCh37 (hg19) VCF-style: chr1-181765815-G-A.
Other names: c.6091G>A, p.Asp2031Asn (NM_000721.4); c.6034G>A, p.Asp2012Asn (NM_001205294.2); short protein forms D2012N, D2031N, D2074N.
Identifiers: ClinVar variation 2724942 (VCV002724942.3), dbSNP rs918921777, ClinGen allele CA33860942.